The following is an entry in ClinVar:

ClinVar aggregate classification (germline): Likely benign (1 of 4 stars; one submission).

Allele frequency attached by ClinVar (database versions not stated): gnomAD exomes 0.00113; gnomAD 0.00487; ExAC 0.00762.
gnomAD v4.1: 2,281 of 1,497,324 alleles (0.15%); highest among the groups gnomAD compares: Middle Eastern, 0.32%; no homozygotes.

Submission:

CeGaT Center for Human Genetics Tuebingen
Classification: Likely benign. Last evaluated: 2026-01-01. Review status: criteria provided, single submitter. Criteria: CeGaT Center For Human Genetics Tuebingen Variant Classification Criteria Version 2. Collection method: clinical testing. Allele origin: germline. Affected: yes. Observed: 5 variant alleles.
Comment: MUC4: BP4, BP7

NM_018406.7(MUC4):c.3291A>G (p.Ala1097=)

Gene: MUC4 (mucin 4, cell surface associated). Cytogenetic location: 3q29.
Variant type: single nucleotide variant.
Coding change: c.3291A>G on transcript NM_018406.7 (MANE Select); coding-DNA position 3291, A replaced by G.
Protein change: p.Ala1097=; no amino-acid change (alanine 1097 retained).
Molecular consequence: synonymous variant. On other transcripts: genic upstream transcript variant (2).
Genome position (GRCh38, 1-based): chr3:195,788,289, T>C on the plus strand (A>G on the coding strand, the complement: MUC4 is on the minus strand). VCF-style: chr3-195788289-T-C. GRCh37 (hg19) VCF-style: chr3-195515160-T-C.
Other names: c.83-9834A>G (NM_004532.6); c.3354A>G, p.Ala1118= (NM_001322468.1); c.83-13984A>G (NM_138297.5).
Identifiers: ClinVar variation 2654482 (VCV002654482.24), dbSNP rs200424131, ClinGen allele CA2774640.